The following is an entry in ClinVar:

ClinVar aggregate classification (germline): Uncertain significance. Review status: criteria provided, multiple submitters, no conflicts (2 of 4 stars). 3 submissions from 3 submitters: Uncertain significance (3). Last evaluated 2025-11-01.

Conditions:
Dilated cardiomyopathy 1J (CMD1J). Also called: CARDIOMYOPATHY, DILATED, WITH SENSORINEURAL HEARING LOSS, AUTOSOMAL DOMINANT. Identifiers: Orphanet 217622, MedGen C1854368, MONDO:0011541, OMIM 605362.
Cardiovascular phenotype. Identifiers: MedGen CN230736.

gnomAD v4.1: 2 of 1,613,442 alleles (0.00012%); highest among the groups gnomAD compares: Non-Finnish European, 0.00017%; no homozygotes.

Submissions (3):

Labcorp Genetics (formerly Invitae), Labcorp
Classification: Uncertain significance for Dilated cardiomyopathy 1J. Last evaluated: 2025-11-01. Review status: criteria provided, single submitter. Criteria: Invitae Variant Classification Sherloc (09022015). Collection method: clinical testing. Allele origin: germline.
Comment: This sequence change replaces tyrosine, which is neutral and polar, with phenylalanine, which is neutral and non-polar, at codon 193 of the EYA4 protein (p.Tyr193Phe). This variant is not present in population databases (gnomAD no frequency). This variant has not been reported in the literature in individuals affected with EYA4-related conditions. ClinVar contains an entry for this variant (Variation ID: 3343181). An algorithm developed to predict the effect of missense changes on protein structure and function (PolyPhen-2) suggests that this variant is likely to be disruptive. Algorithms developed to predict the effect of sequence changes on RNA splicing suggest that this variant may disrupt the consensus splice site. In summary, the available evidence is currently insufficient to determine the role of this variant in disease. Therefore, it has been classified as a Variant of Uncertain Significance.

Ambry Genetics
Classification: Uncertain significance for Cardiovascular phenotype. Last evaluated: 2025-03-25. Review status: criteria provided, single submitter. Criteria: Ambry Variant Classification Scheme 2023. Collection method: clinical testing. Allele origin: germline.
Comment: The p.Y193F variant (also known as c.578A>T), located in coding exon 7 of the EYA4 gene, results from an A to T substitution at nucleotide position 578. The tyrosine at codon 193 is replaced by phenylalanine, an amino acid with highly similar properties. This amino acid position is highly conserved in available vertebrate species. In addition, the in silico prediction for this alteration is inconclusive. Based on the available evidence, the clinical significance of this variant remains unclear.

GeneDx
Classification: Uncertain significance. Last evaluated: 2023-05-04. Review status: criteria provided, single submitter. Criteria: GeneDx Variant Classification Process June 2021. Collection method: clinical testing. Allele origin: germline. Affected: yes.
Comment: Not observed at significant frequency in large population cohorts (gnomAD); In silico analysis supports that this missense variant does not alter protein structure/function; Has not been previously published as pathogenic or benign to our knowledge

NM_004100.5(EYA4):c.578A>T (p.Tyr193Phe)

Gene: EYA4 (EYA transcriptional coactivator and phosphatase 4; plus strand). Cytogenetic location: 6q23.2.
Variant type: single nucleotide variant.
Coding change: c.578A>T on transcript NM_004100.5 (MANE Select); coding-DNA position 578, A replaced by T.
Protein change: p.Tyr193Phe; replaces tyrosine 193 with phenylalanine.
Molecular consequence: missense variant.
Genome position (GRCh38, 1-based): chr6:133,462,475, A>T. VCF-style: chr6-133462475-A-T. GRCh37 (hg19) VCF-style: chr6-133783613-A-T.
Other names: c.416A>T, p.Tyr139Phe (NM_001301012.2, NM_001370459.1); c.578A>T, p.Tyr193Phe (NM_001301013.2, NM_172105.4); c.509A>T, p.Tyr170Phe (NM_001370458.1, NM_172103.4); short protein forms Y139F, Y170F, Y193F.
Identifiers: ClinVar variation 3343181 (VCV003343181.3).